The following is an entry in ClinVar:

ClinVar aggregate classification (germline): Uncertain significance (1 of 4 stars; one submission).

Conditions:
Neurodevelopmental disorder with or without early-onset generalized epilepsy. Identifiers: MedGen C5436914, MONDO:0030930, OMIM 619157.

Submission:

Victorian Clinical Genetics Services, Murdoch Childrens Research Institute
Classification: Uncertain significance for Neurodevelopmental disorder with or without early-onset generalized epilepsy. Last evaluated: 2020-10-19. Review status: criteria provided, single submitter. Criteria: ACMG Guidelines, 2015. Collection method: clinical testing. Allele origin: germline. Inheritance: Autosomal dominant inheritance. Affected: yes.
Comment: Based on the classification scheme VCGS_Germline_v1.3.3, this variant is classified as 3B-VUS. Following criteria are met: 0102 - Loss of function is a likely mechanism of disease in this gene and is associated with NBEA-related neurodevelopmental disorder. (I) 0107 - This gene is associated with autosomal dominant disease. (I) 0200 - Variant is predicted to result in a missense amino acid change from threonine to isoleucine. (I) 0251 - This variant is heterozygous. (I) 0301 - Variant is absent from gnomAD (both v2 and v3). (SP) 0503 - Missense variant consistently predicted to be tolerated by multiple in silico tools or not conserved in placental mammals with a minor amino acid change. (SB) 0600 - Variant is located in the annotated WD 4 domain (UniProt). (I) 0705 - No comparable missense variants have previous evidence for pathogenicity. (I) 0807 - This variant has no previous evidence of pathogenicity. (I) 0905 - No published segregation evidence has been identified for this variant. (I) 1007 - No published functional evidence has been identified for this variant. (I) 1208 - Inheritance information for this variant is not currently available in this individual. (I) Legend: (SP) - Supporting pathogenic, (I) - Information, (SB) - Supporting benign

NM_001385012.1(NBEA):c.8657C>T (p.Thr2886Ile)

Gene: NBEA (neurobeachin; plus strand). Cytogenetic location: 13q13.3.
Variant type: single nucleotide variant.
Coding change: c.8657C>T on transcript NM_001385012.1 (MANE Select); coding-DNA position 8657, C replaced by T.
Protein change: p.Thr2886Ile; replaces threonine 2886 with isoleucine.
Molecular consequence: missense variant.
Genome position (GRCh38, 1-based): chr13:35,667,566, C>T. VCF-style: chr13-35667566-C-T. GRCh37 (hg19) VCF-style: chr13-36241703-C-T.
Other names: c.1973C>T, p.Thr658Ile (NM_001204197.3); c.8648C>T, p.Thr2883Ile (NM_001379245.1); c.8594C>T, p.Thr2865Ile (NM_015678.5); short protein forms T2865I, T2883I, T2886I, T658I.
Identifiers: ClinVar variation 1805371 (VCV001805371.2), dbSNP rs2550045001, ClinGen allele CA387843093.